The following is an entry in ClinVar:

ClinVar aggregate classification (germline): Uncertain significance (1 of 4 stars; one submission).

Allele frequency attached by ClinVar (database versions not stated): gnomAD 0.00001.
gnomAD v4.1: 2 of 1,611,422 alleles (0.00012%); highest among the groups gnomAD compares: Non-Finnish European, 0.000085%; no homozygotes.

Submission:

Labcorp Genetics (formerly Invitae), Labcorp
Classification: Uncertain significance. Last evaluated: 2024-10-22. Review status: criteria provided, single submitter. Criteria: Invitae Variant Classification Sherloc (09022015). Collection method: clinical testing. Allele origin: germline.
Comment: This sequence change replaces threonine, which is neutral and polar, with proline, which is neutral and non-polar, at codon 741 of the GFM2 protein (p.Thr741Pro). This variant is present in population databases (no rsID available, gnomAD 0.03%). This variant has not been reported in the literature in individuals affected with GFM2-related conditions. ClinVar contains an entry for this variant (Variation ID: 2099061). Invitae Evidence Modeling of protein sequence and biophysical properties (such as structural, functional, and spatial information, amino acid conservation, physicochemical variation, residue mobility, and thermodynamic stability) has been performed for this missense variant. However, the output from this modeling did not meet the statistical confidence thresholds required to predict the impact of this variant on GFM2 protein function. In summary, the available evidence is currently insufficient to determine the role of this variant in disease. Therefore, it has been classified as a Variant of Uncertain Significance.

NM_032380.5(GFM2):c.2221A>C (p.Thr741Pro)

Gene: GFM2 (GTP dependent ribosome recycling factor mitochondrial 2; minus strand). Cytogenetic location: 5q13.3.
Variant type: single nucleotide variant.
Coding change: c.2221A>C on transcript NM_032380.5 (MANE Select); coding-DNA position 2221, A replaced by C.
Protein change: p.Thr741Pro; replaces threonine 741 with proline.
Molecular consequence: missense variant. On other transcripts: non-coding transcript variant (1).
Genome position (GRCh38, 1-based): chr5:74,721,774, T>G on the plus strand (A>C on the coding strand, the complement: GFM2 is on the minus strand). VCF-style: chr5-74721774-T-G. GRCh37 (hg19) VCF-style: chr5-74017599-T-G.
Other names: c.2317A>C, p.Thr773Pro (NM_001281302.2); c.2080A>C, p.Thr694Pro (NM_170691.3); short protein forms T773P, T694P, T741P.
Identifiers: ClinVar variation 2099061 (VCV002099061.4), dbSNP rs773006254, ClinGen allele CA360073091.